The following is an entry in ClinVar:

NM_002474.3(MYH11):c.3034_3035inv (p.Thr1012Val)

Gene: MYH11 (myosin heavy chain 11; minus strand). Cytogenetic location: 16p13.11.
Variant type: Inversion.
Coding change: c.3034_3035inv on transcript NM_002474.3 (MANE Select).
Protein change: p.Thr1012Val; replaces threonine 1012 with valine.
Molecular consequence: missense variant.
Genome position: GRCh38 VCF-style: chr16-15738651-GT-AC. GRCh37 (hg19) VCF-style: chr16-15832508-GT-AC.
Other names: c.3055_3056inv, p.Thr1019Val (NM_001040113.2, NM_001040114.2); c.3034_3035inv, p.Thr1012Val (NM_022844.3); c.3055_3056delinsGT (NM_001040113.2); short protein forms T1012V, T1019V.
Identifiers: ClinVar variation 4756961 (VCV004756961.1).

ClinVar aggregate classification (germline): Uncertain significance (1 of 4 stars; one submission).

Conditions:
Familial thoracic aortic aneurysm and aortic dissection (TAAD). Also called: Thoracic aortic aneurysms and dissections. Identifiers: Orphanet 91387, MedGen C4707243, MONDO:0019625.

Submission:

Color Diagnostics, LLC DBA Color Health
Classification: Uncertain significance for Familial thoracic aortic aneurysm and aortic dissection. Last evaluated: 2025-06-23. Review status: criteria provided, single submitter. Criteria: ACMG Guidelines, 2015. Collection method: clinical testing. Allele origin: germline.
Comment: This missense variant replaces threonine with valine at codon 1019 of the MYH11 protein. To our knowledge, functional studies have not been reported for this variant. This variant has not been reported in individuals affected with MYH11-related disorders in the literature. This variant has not been identified in the general population by the Genome Aggregation Database (gnomAD). The available evidence is insufficient to determine the role of this variant in disease conclusively. Therefore, this variant is classified as a Variant of Uncertain Significance.